The following is an entry in ClinVar:

NM_020884.7(MYH7B):c.5155C>G (p.Arg1719Gly)

Gene: MYH7B (myosin heavy chain 7B; plus strand). Cytogenetic location: 20q11.22.
Variant type: single nucleotide variant.
Coding change: c.5155C>G on transcript NM_020884.7 (MANE Select); coding-DNA position 5155, C replaced by G.
Protein change: p.Arg1719Gly; replaces arginine 1719 with glycine.
Molecular consequence: missense variant.
Genome position (GRCh38, 1-based): chr20:35,000,666, C>G. VCF-style: chr20-35000666-C-G. GRCh37 (hg19) VCF-style: chr20-33588469-C-G.
Other names: short protein forms R1719G.
Identifiers: ClinVar variation 1413204 (VCV001413204.6), dbSNP rs758860211, ClinGen allele CA9828434.

ClinVar aggregate classification (germline): Uncertain significance (1 of 4 stars; one submission).

Allele frequency attached by ClinVar (database versions not stated): gnomAD 0.00001; gnomAD exomes 0.00002.
gnomAD v4.1: 16 of 1,587,472 alleles (0.001%); highest among the groups gnomAD compares: Non-Finnish European, 0.00017%; no homozygotes.

Submission:

Labcorp Genetics (formerly Invitae), Labcorp
Classification: Uncertain significance. Last evaluated: 2022-03-22. Review status: criteria provided, single submitter. Criteria: Invitae Variant Classification Sherloc (09022015). Collection method: clinical testing. Allele origin: germline.
Comment: In summary, the available evidence is currently insufficient to determine the role of this variant in disease. Therefore, it has been classified as a Variant of Uncertain Significance. Algorithms developed to predict the effect of missense changes on protein structure and function (SIFT, PolyPhen-2, Align-GVGD) all suggest that this variant is likely to be disruptive. This variant has not been reported in the literature in individuals affected with MYH7B-related conditions. The frequency data for this variant in the population databases is considered unreliable, as metrics indicate poor data quality at this position in the gnomAD database. This sequence change replaces arginine, which is basic and polar, with glycine, which is neutral and non-polar, at codon 1761 of the MYH7B protein (p.Arg1761Gly).